The following is an entry in ClinVar:

NM_033380.3(COL4A5):c.1698del (p.Gly567fs)

Gene: COL4A5 (collagen type IV alpha 5 chain; plus strand). Cytogenetic location: Xq22.3.
Variant type: Deletion.
Coding change: c.1698del on transcript NM_033380.3 (MANE Select); coding-DNA position 1698, one base deleted (T; older notation c.1698delT).
Protein change: p.Gly567fs; shifts the reading frame from glycine 567.
Molecular consequence: frameshift variant.
Genome position (GRCh38, 1-based): chrX:108,597,487, T deleted. VCF-style (leftmost placement, unchanged base first): chrX-108597486-CT-C. GRCh37 (hg19) VCF-style: chrX-107840716-CT-C.
Other names: c.1698del, p.Gly567fs (NM_000495.5); short protein forms G567fs.
Identifiers: ClinVar variation 4685494 (VCV004685494.1).
Genomic context (GRCh38, chrX:108,597,486, plus strand): 5'-AACCTGGTGATATCCTCACTTTTCCAGGAATGAAGGGTGACAAAGGAGAGTTGGGTTCCC[CT>C]GGAGCTCCAGGGCTTCCTGGTTTACCTGGCACTCCTGGACAGGATGGATTGCCAGGGCTT-3'

ClinVar aggregate classification (germline): Pathogenic (1 of 4 stars; one submission).

Conditions:
X-linked Alport syndrome (ATS1). Also called: COL4A5-Related Nephropathy; NEPHROPATHY AND DEAFNESS, X-LINKED. Identifiers: Orphanet 63, Orphanet 88917, MedGen C4746986, MONDO:0010520, OMIM 301050.

Submission:

Imagene.me medical diagnostic laboratory, IMAGENE.ME SA
Classification: Pathogenic for X-linked Alport syndrome. Review status: criteria provided, single submitter. Criteria: IMAGENE.ME Variant Classification SOP 2022. Collection method: clinical testing. Allele origin: germline. Affected: yes.
Comment: Classified according to the IMAGENE.ME variant classification SOP based on the ACMG guidelines as Pathogenic (P): PVS1 + PM2